The following is an entry in ClinVar:

NM_001126049.2(KLLN):c.526C>A (p.Pro176Thr)

Gene: KLLN (killin, p53 regulated DNA replication inhibitor; minus strand). Cytogenetic location: 10q23.31.
Variant type: single nucleotide variant.
Coding change: c.526C>A on transcript NM_001126049.2 (MANE Select); coding-DNA position 526, C replaced by A.
Protein change: p.Pro176Thr; replaces proline 176 with threonine.
Molecular consequence: missense variant.
Genome position (GRCh38, 1-based): chr10:87,861,962, G>T on the plus strand (C>A on the coding strand, the complement: KLLN is on the minus strand). VCF-style: chr10-87861962-G-T. GRCh37 (hg19) VCF-style: chr10-89621719-G-T.
Other names: short protein forms P176T.
Identifiers: ClinVar variation 1683533 (VCV001683533.2), dbSNP rs2132136560, ClinGen allele CA377785189.
Genomic context (GRCh38, chr10:87,861,962, plus strand): 5'-GGGAAGGCGCAGAATAGGTCGATGTAGAGCAAGGAGTGAGTCTCAGGTCTCAGTCCTTTG[G>T]CTTGCTCTTAGGGTAGCAGGCGAGGAGTGGCACCAGTTTGGGGACTCTCTCCCCGCGTTC-3'
Protein context (NP_001119521.1, residues 166-178): PLLACYPKSK[Pro176Thr]KD

ClinVar aggregate classification (germline): Uncertain significance (1 of 4 stars; one submission).

Conditions:
Cowden syndrome 4 (CWS4). Also called: COWDEN DISEASE 4. Identifiers: Orphanet 201, MedGen C3554517, MONDO:0014046, OMIM 615107.

Submission:

Laboratorio de Genetica e Diagnostico Molecular, Hospital Israelita Albert Einstein
Classification: Uncertain significance for Cowden syndrome 4. Last evaluated: 2021-05-24. Review status: criteria provided, single submitter. Criteria: ACMG Guidelines, 2015. Collection method: clinical testing. Allele origin: germline. Affected: yes.
Comment: ACMG classification criteria: PM2 moderate, BP4 supporting